The following is an entry in ClinVar:

ClinVar aggregate classification (germline): Likely benign (1 of 4 stars; one submission).

Allele frequency attached by ClinVar (database versions not stated): 1000 Genomes Project 30x 0.00047; 1000 Genomes Project 0.00060; TOPMed 0.00120; gnomAD 0.00152; ESP Exome Variant Server 0.00163; ExAC 0.00354.
gnomAD v4.1: 3,377 of 1,609,370 alleles (0.21%); highest among the groups gnomAD compares: Non-Finnish European, 0.25%; 6 homozygotes.

Submission:

CeGaT Center for Human Genetics Tuebingen
Classification: Likely benign. Last evaluated: 2024-02-01. Review status: criteria provided, single submitter. Criteria: CeGaT Center For Human Genetics Tuebingen Variant Classification Criteria Version 2. Collection method: clinical testing. Allele origin: germline. Affected: yes. Observed: 2 variant alleles.
Comment: CHTF18: BP4, BP7

NM_022092.3(CHTF18):c.1182T>A (p.Ser394=)

Gene: CHTF18 (chromosome transmission fidelity factor 18; plus strand). Cytogenetic location: 16p13.3.
Variant type: single nucleotide variant.
Coding change: c.1182T>A on transcript NM_022092.3 (MANE Select); coding-DNA position 1182, T replaced by A.
Protein change: p.Ser394=; no amino-acid change (serine 394 retained).
Molecular consequence: synonymous variant.
Genome position (GRCh38, 1-based): chr16:791,928, T>A. VCF-style: chr16-791928-T-A. GRCh37 (hg19) VCF-style: chr16-841928-T-A.
Identifiers: ClinVar variation 2645866 (VCV002645866.24), dbSNP rs200430602, ClinGen allele CA7795011.